The following is an entry in ClinVar:

NM_017890.5(VPS13B):c.4158C>G (p.Ser1386Arg)

Gene: VPS13B (vacuolar protein sorting 13 homolog B; plus strand). Cytogenetic location: 8q22.2.
Variant type: single nucleotide variant.
Coding change: c.4158C>G on transcript NM_017890.5 (MANE Plus Clinical); coding-DNA position 4158, C replaced by G.
Protein change: p.Ser1386Arg; replaces serine 1386 with arginine.
Molecular consequence: missense variant. On other transcripts: intron variant (1).
Genome position (GRCh38, 1-based): chr8:99,507,770, C>G. VCF-style: chr8-99507770-C-G. GRCh37 (hg19) VCF-style: chr8-100519998-C-G.
Other names: c.4224+567C>G (NM_152564.5); short protein forms S1386R.
Identifiers: ClinVar variation 5003894 (VCV005003894.1).

ClinVar aggregate classification (germline): Uncertain significance (1 of 4 stars; one submission).

Conditions:
Cohen syndrome (COH1). Also called: Cutis verticis gyrata, retinitis pigmentosa, and sensorineural deafness; PEPPER SYNDROME. Identifiers: Orphanet 193, MedGen C0265223, MONDO:0008999, OMIM 216550.

gnomAD v4.1: 2 of 1,613,964 alleles (0.00012%); highest among the groups gnomAD compares: South Asian, 0.0022%; no homozygotes.

Submission:

Myriad Genetics, Inc.
Classification: Uncertain significance for Cohen syndrome. Last evaluated: 2026-04-02. Review status: criteria provided, single submitter. Criteria: Myriad Autosomal Dominant, Autosomal Recessive and X-Linked Classification Criteria (2023). Collection method: clinical testing. Allele origin: unknown.
Comment: NM_017890.4(VPS13B):c.4158C>G(S1386R) is a missense variant classified as a variant of uncertain significance in the context of Cohen syndrome. S1386R has not been observed in cases with relevant disease. Relevant functional assessments of this variant are not available in the literature. S1386R has not been observed in referenced population frequency databases. In summary, there is insufficient evidence to classify NM_017890.4(VPS13B):c.4158C>G(S1386R) as pathogenic or benign. Please note: this variant was assessed in the context of healthy population screening.